The following is an entry in ClinVar:

NM_199242.3(UNC13D):c.1229_1230dup (p.Arg411fs)

Gene: UNC13D (unc-13 homolog D; minus strand). Cytogenetic location: 17q25.1.
Variant type: Duplication.
Coding change: c.1229_1230dup on transcript NM_199242.3 (MANE Select); coding-DNA positions 1229 to 1230, 2 bases duplicated (TC; older notation c.1229_1230dupTC).
Protein change: p.Arg411fs; shifts the reading frame from arginine 411.
Molecular consequence: frameshift variant.
Genome position (GRCh38, 1-based): chr17:75,836,640-75,836,641, GA duplicated on the plus strand (TC on the coding strand, the reverse complement: UNC13D is on the minus strand). VCF-style (leftmost placement, unchanged base first): chr17-75836639-G-GGA. GRCh37 (hg19) VCF-style: chr17-73832720-G-GGA.
Other names: short protein forms R411fs.
Identifiers: ClinVar variation 1694203 (VCV001694203.6), dbSNP rs747180228, ClinGen allele CA8773071.

ClinVar aggregate classification (germline): Pathogenic/Likely pathogenic. Review status: criteria provided, multiple submitters, no conflicts (2 of 4 stars). 2 submissions from 2 submitters: Pathogenic (1); Likely pathogenic (1). Last evaluated 2025-12-28.

Conditions:
Autoinflammatory syndrome. Identifiers: Orphanet 93665, MedGen C3890737, MONDO:0019751.
Familial hemophagocytic lymphohistiocytosis 3 (FHL3). Also called: UNC13D-Related Familial Hemophagocytic Lymphohistiocytosis (UNC13D-fHLH). Identifiers: Orphanet 540, MedGen C1837174, MONDO:0012146, OMIM 608898.

Allele frequency attached by ClinVar (database versions not stated): gnomAD exomes below 0.00001 and 0.00002; ExAC 0.00001; gnomAD 0.00001; TOPMed 0.00001.

Submissions (2):

Labcorp Genetics (formerly Invitae), Labcorp
Classification: Pathogenic for Familial hemophagocytic lymphohistiocytosis 3. Last evaluated: 2025-12-28. Review status: criteria provided, single submitter. Criteria: Invitae Variant Classification Sherloc (09022015). Collection method: clinical testing. Allele origin: germline.
Comment: This sequence change creates a premature translational stop signal (p.Arg411Serfs*32) in the UNC13D gene. It is expected to result in an absent or disrupted protein product. Loss-of-function variants in UNC13D are known to be pathogenic (PMID: 14622600). This variant is present in population databases (rs747180228, gnomAD 0.002%). This premature translational stop signal has been observed in individual(s) with clinical features of hemophagocytic lymphohistiocytosis (PMID: 32542393). ClinVar contains an entry for this variant (Variation ID: 1694203). For these reasons, this variant has been classified as Pathogenic.

Genome Diagnostics Laboratory, The Hospital for Sick Children
Classification: Likely pathogenic for Autoinflammatory syndrome. Last evaluated: 2017-05-10. Review status: criteria provided, single submitter. Criteria: ACMG Guidelines, 2015. Collection method: clinical testing. Allele origin: germline. Affected: yes.

Literature cited by the submitters: PubMed 14622600 (cited by Labcorp Genetics (formerly Invitae), Labcorp); PubMed 32542393 (cited by Labcorp Genetics (formerly Invitae), Labcorp).